The following is an entry in ClinVar:

ClinVar aggregate classification (germline): Uncertain significance (1 of 4 stars; one submission).

Submission:

Labcorp Genetics (formerly Invitae), Labcorp
Classification: Uncertain significance. Last evaluated: 2024-08-18. Review status: criteria provided, single submitter. Criteria: Invitae Variant Classification Sherloc (09022015). Collection method: clinical testing. Allele origin: germline.
Comment: This sequence change replaces leucine, which is neutral and non-polar, with phenylalanine, which is neutral and non-polar, at codon 683 of the TNRC6B protein (p.Leu683Phe). This variant is not present in population databases (gnomAD no frequency). This variant has not been reported in the literature in individuals affected with TNRC6B-related conditions. An algorithm developed to predict the effect of missense changes on protein structure and function (PolyPhen-2) suggests that this variant is likely to be disruptive. In summary, the available evidence is currently insufficient to determine the role of this variant in disease. Therefore, it has been classified as a Variant of Uncertain Significance.

NM_001162501.2(TNRC6B):c.2047C>T (p.Leu683Phe)

Gene: TNRC6B (trinucleotide repeat containing adaptor 6B; plus strand). Cytogenetic location: 22q13.1.
Variant type: single nucleotide variant.
Coding change: c.2047C>T on transcript NM_001162501.2 (MANE Select); coding-DNA position 2047, C replaced by T.
Protein change: p.Leu683Phe; replaces leucine 683 with phenylalanine.
Molecular consequence: missense variant. On other transcripts: intron variant (1).
Genome position (GRCh38, 1-based): chr22:40,266,277, C>T. VCF-style: chr22-40266277-C-T. GRCh37 (hg19) VCF-style: chr22-40662281-C-T.
Other names: c.2047C>T, p.Leu683Phe (NM_015088.3); c.566-3845C>T (NM_001024843.2); short protein forms L683F.
Identifiers: ClinVar variation 3714949 (VCV003714949.2).